The following is an entry in ClinVar:

ClinVar aggregate classification (germline): Pathogenic (1 of 4 stars; one submission).

Submission:

Labcorp Genetics (formerly Invitae), Labcorp
Classification: Pathogenic. Last evaluated: 2023-01-18. Review status: criteria provided, single submitter. Criteria: Invitae Variant Classification Sherloc (09022015). Collection method: clinical testing. Allele origin: germline.
Comment: This sequence change creates a premature translational stop signal (p.Glu1320Aspfs*17) in the TET2 gene. It is expected to result in an absent or disrupted protein product. Loss-of-function variants in TET2 are known to be pathogenic (PMID: 36066697). This variant is not present in population databases (gnomAD no frequency). This variant has not been reported in the literature in individuals affected with TET2-related conditions. Algorithms developed to predict the effect of sequence changes on RNA splicing suggest that this variant may create or strengthen a splice site. For these reasons, this variant has been classified as Pathogenic.

Literature cited by the submitters: PubMed 36066697.

NM_001127208.3(TET2):c.3960_3964del (p.Glu1320fs)

Genes: TET2 (tet methylcytosine dioxygenase 2; plus strand), TET2-AS1 (TET2 antisense RNA 1; minus strand). Cytogenetic location: 4q24.
Variant type: Deletion.
Coding change: c.3960_3964del on transcript NM_001127208.3 (MANE Select); coding-DNA positions 3960 to 3964, 5 bases deleted (GAAAC; older notation c.3960_3964delGAAAC).
Protein change: p.Glu1320fs; shifts the reading frame from glutamic acid 1320.
Molecular consequence: frameshift variant.
Genome position (GRCh38, 1-based): chr4:105,261,764-105,261,768, GAAAC deleted. VCF-style (leftmost placement, unchanged base first): chr4-105261763-AGAAAC-A. GRCh37 (hg19) VCF-style: chr4-106182920-AGAAAC-A.
Other names: short protein forms E1320fs.
Identifiers: ClinVar variation 2822009 (VCV002822009.3), dbSNP rs2476638607, ClinGen allele CA2739270216.
Genomic context (GRCh38, chr4:105,261,763, plus strand): 5'-TTACATAGAGAAAATGGACTTAGAATTTAATATGTAGAATTATTCACTTTATACAGGAAG[AGAAAC>A]TGGAGTCTCATTTGCAAAACCTGTCCACTCTTATGGCACCAACATATAAGAAACTTGCAC-3'